The following is an entry in ClinVar:

ClinVar aggregate classification (germline): Uncertain significance (1 of 4 stars; one submission).

gnomAD v4.1: 1 of 1,614,186 alleles (0.000062%); no homozygotes.

Submission:

Quest Diagnostics Nichols Institute San Juan Capistrano
Classification: Uncertain significance. Last evaluated: 2025-05-19. Review status: criteria provided, single submitter. Criteria: Quest Diagnostics criteria. Collection method: clinical testing. Allele origin: unknown.
Comment: The BRCA2 c.7934G>A (p.Arg2645Lys) variant showed benign effects in a saturation genome editing assay measuring DNA repair-dependent cell survival (PMIDs: 39779848 (2025)). To the best of our knowledge, this variant has not been reported in individuals with BRCA2-related conditions in the published literature. This variant has not been reported in large, multi-ethnic general populations (Genome Aggregation Database). Analysis of this variant using bioinformatics tools for the prediction of the effect of amino acid changes on protein structure and function yielded conflicting predictions that this variant is benign or damaging. Based on the available information, we are unable to determine the clinical significance of this variant.

Literature cited by the submitters: PubMed 39779848.

NM_000059.4(BRCA2):c.7934G>A (p.Arg2645Lys)

Gene: BRCA2 (BRCA2 DNA repair associated; plus strand). Cytogenetic location: 13q13.1.
Variant type: single nucleotide variant.
Coding change: c.7934G>A on transcript NM_000059.4 (MANE Select); coding-DNA position 7934, G replaced by A.
Protein change: p.Arg2645Lys; replaces arginine 2645 with lysine.
Molecular consequence: missense variant. On other transcripts: non-coding transcript variant (1).
Genome position (GRCh38, 1-based): chr13:32,362,651, G>A. VCF-style: chr13-32362651-G-A. GRCh37 (hg19) VCF-style: chr13-32936788-G-A.
Other names: c.7838G>A, p.Arg2613Lys (NM_001406719.1); c.7934G>A, p.Arg2645Lys (NM_001406720.1, NM_001432077.1); c.3002G>A, p.Arg1001Lys (NM_001406721.1); c.1517G>A, p.Arg506Lys (NM_001406722.1); short protein forms R1001K, R2613K, R2645K, R506K.
Identifiers: ClinVar variation 4532834 (VCV004532834.1).
Genomic context (GRCh38, chr13:32,362,651, plus strand): 5'-GATGGATCATATGGAAACTGGCAGCTATGGAATGTGCCTTTCCTAAGGAATTTGCTAATA[G>A]ATGCCTAAGCCCAGAAAGGGTGCTTCTTCAACTAAAATACAGGCAAGTTTAAAGCATTAC-3'
Protein context (NP_000050.3, residues 2635-2655): ECAFPKEFAN[Arg2645Lys]CLSPERVLLQ